The following is an entry in ClinVar:

ClinVar aggregate classification (germline): Uncertain significance. Review status: criteria provided, multiple submitters, no conflicts (2 of 4 stars). 2 submissions from 2 submitters: Uncertain significance (2). Last evaluated 2025-06-03.

Conditions:
Inborn genetic diseases. Identifiers: MedGen C0950123, MeSH D030342.

Allele frequency attached by ClinVar (database versions not stated): gnomAD exomes 0.00001 and 0.00003; gnomAD 0.00002; TOPMed 0.00002.
gnomAD v4.1: 44 of 1,613,734 alleles (0.0027%); highest among the groups gnomAD compares: Non-Finnish European, 0.0035%; no homozygotes.

Submissions (2):

Ambry Genetics
Classification: Uncertain significance for Inborn genetic diseases. Last evaluated: 2025-06-03. Review status: criteria provided, single submitter. Criteria: Ambry Variant Classification Scheme 2023. Collection method: clinical testing. Allele origin: germline.

Labcorp Genetics (formerly Invitae), Labcorp
Classification: Uncertain significance. Last evaluated: 2020-08-05. Review status: criteria provided, single submitter. Criteria: Invitae Variant Classification Sherloc (09022015). Collection method: clinical testing. Allele origin: germline.
Comment: Algorithms developed to predict the effect of missense changes on protein structure and function (SIFT, PolyPhen-2, Align-GVGD) all suggest that this variant is likely to be tolerated, but these predictions have not been confirmed by published functional studies and their clinical significance is uncertain. In summary, the available evidence is currently insufficient to determine the role of this variant in disease. Therefore, it has been classified as a Variant of Uncertain Significance. This variant has not been reported in the literature in individuals with AGBL5-related conditions. This variant is not present in population databases (ExAC no frequency). This sequence change replaces histidine with arginine at codon 339 of the AGBL5 protein (p.His339Arg). The histidine residue is moderately conserved and there is a small physicochemical difference between histidine and arginine.

NM_021831.6(AGBL5):c.1016A>G (p.His339Arg)

Gene: AGBL5 (AGBL carboxypeptidase 5; plus strand). Cytogenetic location: 2p23.3.
Variant type: single nucleotide variant.
Coding change: c.1016A>G on transcript NM_021831.6 (MANE Select); coding-DNA position 1016, A replaced by G.
Protein change: p.His339Arg; replaces histidine 339 with arginine.
Molecular consequence: missense variant. On other transcripts: non-coding transcript variant (2).
Genome position (GRCh38, 1-based): chr2:27,055,789, A>G. VCF-style: chr2-27055789-A-G. GRCh37 (hg19) VCF-style: chr2-27278657-A-G.
Other names: c.1016A>G (NM_021831.5); c.1016A>G, p.His339Arg (NM_001035507.3); short protein forms H339R.
Identifiers: ClinVar variation 1026279 (VCV001026279.9), dbSNP rs1431428859, ClinGen allele CA346178559.